The following is an entry in ClinVar:

ClinVar aggregate classification (germline): Likely benign (1 of 4 stars; one submission).

Allele frequency attached by ClinVar (database versions not stated): ESP Exome Variant Server 0.00008; gnomAD exomes 0.00034; 1000 Genomes Project 0.00060; 1000 Genomes Project 30x 0.00094.
gnomAD v4.1: 529 of 1,612,070 alleles (0.033%); highest among the groups gnomAD compares: South Asian, 0.52%; 7 homozygotes.

Submission:

CeGaT Center for Human Genetics Tuebingen
Classification: Likely benign. Last evaluated: 2023-02-01. Review status: criteria provided, single submitter. Criteria: CeGaT Center For Human Genetics Tuebingen Variant Classification Criteria Version 2. Collection method: clinical testing. Allele origin: germline. Affected: yes. Observed: 1 variant allele.
Comment: XRCC5: BP4, BP7, BS2

NM_021141.4(XRCC5):c.1341C>T (p.Thr447=)

Gene: XRCC5 (X-ray repair cross complementing 5; plus strand). Cytogenetic location: 2q35.
Variant type: single nucleotide variant.
Coding change: c.1341C>T on transcript NM_021141.4 (MANE Select); coding-DNA position 1341, C replaced by T.
Protein change: p.Thr447=; no amino-acid change (threonine 447 retained).
Molecular consequence: synonymous variant.
Genome position (GRCh38, 1-based): chr2:216,138,178, C>T. VCF-style: chr2-216138178-C-T. GRCh37 (hg19) VCF-style: chr2-217002901-C-T.
Identifiers: ClinVar variation 2651870 (VCV002651870.24), dbSNP rs374258250, ClinGen allele CA2096883.